The following is an entry in ClinVar:

NM_002471.4(MYH6):c.3476C>T (p.Thr1159Met)

Gene: MYH6 (myosin heavy chain 6; minus strand). Cytogenetic location: 14q11.2.
Variant type: single nucleotide variant.
Coding change: c.3476C>T on transcript NM_002471.4 (MANE Select); coding-DNA position 3476, C replaced by T.
Protein change: p.Thr1159Met; replaces threonine 1159 with methionine.
Molecular consequence: missense variant.
Genome position (GRCh38, 1-based): chr14:23,390,313, G>A on the plus strand (C>T on the coding strand, the complement: MYH6 is on the minus strand). VCF-style: chr14-23390313-G-A. GRCh37 (hg19) VCF-style: chr14-23859522-G-A.
Other names: short protein forms T1159M.
Identifiers: ClinVar variation 470525 (VCV000470525.16), dbSNP rs780305056, ClinGen allele CA7115168.
Genomic context (GRCh38, chr14:23,390,313, plus strand): 5'-TCCCGCCGCATCTTCTGGAACTCGGCCTCGCGCTTCTTGTTCATCTCGATCTGCACGGAC[G>A]TGGCCCCGCCGGCCTCTTCCAGCCGCTCGCTGATCTCCTCCAGCTCCCGAGACAGGTCTG-3'
Protein context (NP_002462.2, residues 1149-1169): SERLEEAGGA[Thr1159Met]SVQIEMNKKR

ClinVar aggregate classification (germline): Uncertain significance. Review status: criteria provided, multiple submitters, no conflicts (2 of 4 stars). 5 submissions from 5 submitters: Uncertain significance (5). Last evaluated 2025-04-27.

Conditions:
Dilated cardiomyopathy 1EE (CMD1EE). Identifiers: Orphanet 154, MedGen C2750466, MONDO:0013198, OMIM 613252.
Sick sinus syndrome 3, susceptibility to (SSS3). Identifiers: Orphanet 166282, MedGen C3279791, MONDO:0013568, OMIM 614090.
Atrial septal defect 3 (ASD3). Identifiers: Orphanet 1478, MedGen C3279790, MONDO:0013567, OMIM 614089.
Hypertrophic cardiomyopathy 14. Identifiers: MedGen C2750467, MONDO:0013197, OMIM 613251.
Hypertrophic cardiomyopathy 1 (CMH1). Also called: Familial hypertrophic cardiomyopathy 1; MYH7-Related Familial Hypertrophic Cardiomyopathy. Identifiers: MedGen C3495498, MONDO:0008647, OMIM 192600.
Cardiovascular phenotype. Identifiers: MedGen CN230736.
Hypertrophic cardiomyopathy. Also called: HYPERTROPHIC MYOCARDIOPATHY. Identifiers: Orphanet 217569, MedGen C0007194, MeSH D002312, MONDO:0005045, HP:0001639.

Allele frequency attached by ClinVar (database versions not stated): ExAC 0.00001; gnomAD exomes 0.00001 and 0.00003; gnomAD 0.00003 and 0.00004.
gnomAD v4.1: 45 of 1,606,342 alleles (0.0028%); highest among the groups gnomAD compares: Non-Finnish European, 0.0036%; no homozygotes.

Submissions (5):

Labcorp Genetics (formerly Invitae), Labcorp
Classification: Uncertain significance for Hypertrophic cardiomyopathy 14. Last evaluated: 2025-04-27. Review status: criteria provided, single submitter. Criteria: Invitae Variant Classification Sherloc (09022015). Collection method: clinical testing. Allele origin: germline.
Comment: This sequence change replaces threonine, which is neutral and polar, with methionine, which is neutral and non-polar, at codon 1159 of the MYH6 protein (p.Thr1159Met). This variant is present in population databases (rs780305056, gnomAD 0.003%). This missense change has been observed in individual(s) with hypertrophic cardiomyopathy and dilated cardiomyopathy (PMID: 31513939, 32969603). ClinVar contains an entry for this variant (Variation ID: 470525). Invitae Evidence Modeling of protein sequence and biophysical properties (such as structural, functional, and spatial information, amino acid conservation, physicochemical variation, residue mobility, and thermodynamic stability) indicates that this missense variant is expected to disrupt MYH6 protein function with a positive predictive value of 80%. In summary, the available evidence is currently insufficient to determine the role of this variant in disease. Therefore, it has been classified as a Variant of Uncertain Significance.

GeneDx
Classification: Uncertain significance. Last evaluated: 2024-12-09. Review status: criteria provided, single submitter. Criteria: GeneDx Variant Classification Process June 2021. Collection method: clinical testing. Allele origin: germline. Affected: yes.
Comment: Identified in patients with DCM in the published literature (PMID: 32969603, 31513939); Not observed at significant frequency in large population cohorts (gnomAD); In silico analysis supports that this missense variant has a deleterious effect on protein structure/function; This variant is associated with the following publications: (PMID: 31513939, 32969603)

Ambry Genetics
Classification: Uncertain significance for Cardiovascular phenotype. Last evaluated: 2023-01-13. Review status: criteria provided, single submitter. Criteria: Ambry Variant Classification Scheme 2023. Collection method: clinical testing. Allele origin: germline.
Comment: The p.T1159M variant (also known as c.3476C>T), located in coding exon 24 of the MYH6 gene, results from a C to T substitution at nucleotide position 3476. The threonine at codon 1159 is replaced by methionine, an amino acid with similar properties. This alteration has been reported in subjects with hypertrophic cardiomyopathy (HCM) and dilated cardiomyopathy (DCM) (Carnevale A et al. Mol Genet Genomic Med, 2020 Nov;8:e1504; Robyns T et al. Eur J Med Genet, 2020 Mar;63:103754). This amino acid position is highly conserved in available vertebrate species. In addition, this alteration is predicted to be deleterious by in silico analysis. Since supporting evidence is limited at this time, the clinical significance of this alteration remains unclear.

Fulgent Genetics
Classification: Uncertain significance for Hypertrophic cardiomyopathy 1; Hypertrophic cardiomyopathy 14; Dilated cardiomyopathy 1EE; Atrial septal defect 3; Sick sinus syndrome 3, susceptibility to. Last evaluated: 2021-12-28. Review status: criteria provided, single submitter. Criteria: ACMG Guidelines, 2015. Collection method: clinical testing. Allele origin: unknown.

Center for Human Genetics, University of Leuven
Classification: Uncertain significance for Hypertrophic cardiomyopathy. Last evaluated: 2018-10-31. Review status: criteria provided, single submitter. Criteria: ACMG Guidelines, 2015. Collection method: clinical testing. Allele origin: germline. Affected: yes.

Literature cited by the submitters: PubMed 31513939 (cited by Labcorp Genetics (formerly Invitae), Labcorp and Ambry Genetics); PubMed 32969603 (cited by Labcorp Genetics (formerly Invitae), Labcorp and Ambry Genetics).